The following is an entry in ClinVar:

ClinVar aggregate classification (germline): Uncertain significance (1 of 4 stars; one submission).

Submission:

CeGaT Center for Human Genetics Tuebingen
Classification: Uncertain significance. Last evaluated: 2024-02-01. Review status: criteria provided, single submitter. Criteria: CeGaT Center For Human Genetics Tuebingen Variant Classification Criteria Version 2. Collection method: clinical testing. Allele origin: germline. Affected: yes. Observed: 1 variant allele.
Comment: CDH15: PM2

NM_004933.3(CDH15):c.487G>C (p.Glu163Gln)

Gene: CDH15 (cadherin 15; plus strand). Cytogenetic location: 16q24.3.
Variant type: single nucleotide variant.
Coding change: c.487G>C on transcript NM_004933.3 (MANE Select); coding-DNA position 487, G replaced by C.
Protein change: p.Glu163Gln; replaces glutamic acid 163 with glutamine.
Molecular consequence: missense variant.
Genome position (GRCh38, 1-based): chr16:89,183,677, G>C. VCF-style: chr16-89183677-G-C. GRCh37 (hg19) VCF-style: chr16-89250085-G-C.
Other names: short protein forms E163Q.
Identifiers: ClinVar variation 3027242 (VCV003027242.22), dbSNP rs1915425020, ClinGen allele CA397137640.
Genomic context (GRCh38, chr16:89,183,677, plus strand): 5'-GTGGATCAGAATGACAACCGGCCAGCCTTCCTGCAGGAGGCGTTCACTGGCCGCGTGCTG[G>C]AGGGTGCAGTCCCAGGTGAGACAGGACCACAGCCCCGGGCCGGGAGGGGCTGCAAGGAAG-3'
Protein context (NP_004924.1, residues 153-173): LQEAFTGRVL[Glu163Gln]GAVPGTYVTR